The following is an entry in ClinVar:

ClinVar aggregate classification (germline): Likely pathogenic (1 of 4 stars; one submission).

Conditions:
X-linked Alport syndrome (ATS1). Also called: NEPHROPATHY AND DEAFNESS, X-LINKED; COL4A5-Related Nephropathy. Identifiers: Orphanet 63, Orphanet 88917, MedGen C4746986, MONDO:0010520, OMIM 301050.

Submission:

MVZ Medizinische Genetik Mainz
Classification: Likely pathogenic for X-linked Alport syndrome. Last evaluated: 2025-09-29. Review status: criteria provided, single submitter. Criteria: UK Practice Guidelines For Variant Classification V4 01 2020. Collection method: clinical testing. Allele origin: germline. Inheritance: Autosomal dominant inheritance. Affected: yes. Observed: 1 variant allele.
Comment: ACMG Criteria: PM1_STR,PM2_SUP,PP3

NM_033380.3(COL4A5):c.572_574delinsAAA (p.Pro191_Gly192delinsGlnArg)

Gene: COL4A5 (collagen type IV alpha 5 chain; plus strand). Cytogenetic location: Xq22.3.
Variant type: Indel.
Coding change: c.572_574delinsAAA on transcript NM_033380.3 (MANE Select); coding-DNA positions 572 to 574, CAG replaced by AAA.
Protein change: p.Pro191_Gly192delinsGlnArg.
Molecular consequence: missense variant.
Genome position (GRCh38, 1-based): chrX:108,575,935-108,575,937, CAG replaced by AAA. VCF-style: chrX-108575935-CAG-AAA. GRCh37 (hg19) VCF-style: chrX-107819165-CAG-AAA.
Other names: c.572_574delinsAAA, p.Pro191_Gly192delinsGlnArg (NM_000495.5).
Identifiers: ClinVar variation 4526507 (VCV004526507.1).